The following is an entry in ClinVar:

ClinVar aggregate classification (germline): Uncertain significance (1 of 4 stars; one submission).

gnomAD v4.1: 15 of 1,613,206 alleles (0.00093%); highest among the groups gnomAD compares: East Asian, 0.0045%; no homozygotes.

Submission:

GeneDx
Classification: Uncertain significance. Last evaluated: 2025-05-27. Review status: criteria provided, single submitter. Criteria: GeneDx Variant Classification Process June 2021. Collection method: clinical testing. Allele origin: germline. Affected: yes.
Comment: Not observed at significant frequency in large population cohorts (gnomAD); In silico analysis supports that this missense variant has a deleterious effect on protein structure/function; Has not been previously published as pathogenic or benign to our knowledge

NM_016194.4(GNB5):c.1013G>A (p.Arg338His)

Gene: GNB5 (G protein subunit beta 5; minus strand). Cytogenetic location: 15q21.2.
Variant type: single nucleotide variant.
Coding change: c.1013G>A on transcript NM_016194.4 (MANE Select); coding-DNA position 1013, G replaced by A.
Protein change: p.Arg338His; replaces arginine 338 with histidine.
Molecular consequence: missense variant.
Genome position (GRCh38, 1-based): chr15:52,124,636, C>T on the plus strand (G>A on the coding strand, the complement: GNB5 is on the minus strand). VCF-style: chr15-52124636-C-T. GRCh37 (hg19) VCF-style: chr15-52416833-C-T.
Other names: c.731G>A, p.Arg244His (NM_001379343.1); c.887G>A, p.Arg296His (NM_006578.4); short protein forms R244H, R296H, R338H.
Identifiers: ClinVar variation 4532456 (VCV004532456.1).